The following is an entry in ClinVar:

NM_000400.4(ERCC2):c.998T>A (p.Leu333Gln)

Gene: ERCC2 (ERCC excision repair 2, TFIIH core complex helicase subunit; minus strand). Cytogenetic location: 19q13.32.
Variant type: single nucleotide variant.
Coding change: c.998T>A on transcript NM_000400.4 (MANE Select); coding-DNA position 998, T replaced by A.
Protein change: p.Leu333Gln; replaces leucine 333 with glutamine.
Molecular consequence: missense variant.
Genome position (GRCh38, 1-based): chr19:45,363,863, A>T on the plus strand (T>A on the coding strand, the complement: ERCC2 is on the minus strand). VCF-style: chr19-45363863-A-T. GRCh37 (hg19) VCF-style: chr19-45867121-A-T.
Other names: c.926T>A, p.Leu309Gln (NM_001130867.2); c.998T>A (NM_000400.3); short protein forms L333Q, L309Q.
Identifiers: ClinVar variation 1473643 (VCV001473643.9), dbSNP rs2123286134, ClinGen allele CA406372908.

ClinVar aggregate classification (germline): Uncertain significance. Review status: criteria provided, multiple submitters, no conflicts (2 of 4 stars). 2 submissions from 2 submitters: Uncertain significance (2). Last evaluated 2023-09-20.

Conditions:
Inborn genetic diseases. Identifiers: MedGen C0950123, MeSH D030342.

gnomAD v4.1: 1 of 1,551,980 alleles (0.000064%); highest among the groups gnomAD compares: Non-Finnish European, 0.000087%; no homozygotes.

Submissions (2):

Ambry Genetics
Classification: Uncertain significance for Inborn genetic diseases. Last evaluated: 2023-09-20. Review status: criteria provided, single submitter. Criteria: Ambry Variant Classification Scheme 2023. Collection method: clinical testing. Allele origin: germline.
Comment: The p.L333Q variant (also known as c.998T>A), located in coding exon 11 of the ERCC2 gene, results from a T to A substitution at nucleotide position 998. The leucine at codon 333 is replaced by glutamine, an amino acid with dissimilar properties. This amino acid position is conserved. In addition, this alteration is predicted to be deleterious by in silico analysis. Since supporting evidence is limited at this time, the clinical significance of this alteration remains unclear.

Labcorp Genetics (formerly Invitae), Labcorp
Classification: Uncertain significance. Last evaluated: 2022-08-23. Review status: criteria provided, single submitter. Criteria: Invitae Variant Classification Sherloc (09022015). Collection method: clinical testing. Allele origin: germline.
Comment: This sequence change replaces leucine, which is neutral and non-polar, with glutamine, which is neutral and polar, at codon 333 of the ERCC2 protein (p.Leu333Gln). This variant is not present in population databases (gnomAD no frequency). This variant has not been reported in the literature in individuals affected with ERCC2-related conditions. ClinVar contains an entry for this variant (Variation ID: 1473643). Algorithms developed to predict the effect of missense changes on protein structure and function are either unavailable or do not agree on the potential impact of this missense change (SIFT: "Deleterious"; PolyPhen-2: "Probably Damaging"; Align-GVGD: "Class C0"). Algorithms developed to predict the effect of sequence changes on RNA splicing suggest that this variant may create or strengthen a splice site. In summary, the available evidence is currently insufficient to determine the role of this variant in disease. Therefore, it has been classified as a Variant of Uncertain Significance.